The following is an entry in ClinVar:

ClinVar aggregate classification (germline): Likely benign (1 of 4 stars; one submission).

Allele frequency attached by ClinVar (database versions not stated): TOPMed 0.00006; gnomAD 0.00019.
gnomAD v4.1: 29 of 152,350 alleles (0.019%); highest among the groups gnomAD compares: East Asian, 0.039%; no homozygotes.

Submission:

CeGaT Center for Human Genetics Tuebingen
Classification: Likely benign. Last evaluated: 2024-02-01. Review status: criteria provided, single submitter. Criteria: CeGaT Center For Human Genetics Tuebingen Variant Classification Criteria Version 2. Collection method: clinical testing. Allele origin: germline. Affected: yes. Observed: 1 variant allele.
Comment: BLNK: BP4, BP7

NM_013314.4(BLNK):c.1252-1139T>C

Genes: BLNK (B cell linker; minus strand), ZNF518A (zinc finger protein 518A; plus strand). Cytogenetic location: 10q24.1.
Variant type: single nucleotide variant.
Coding change: c.1252-1139T>C on transcript NM_013314.4 (MANE Select); 1139 bases into the intron before coding-DNA position 1252, T replaced by C.
Molecular consequence: intron variant.
Genome position (GRCh38, 1-based): chr10:96,193,231, A>G on the plus strand (T>C on the coding strand, the complement: BLNK is on the minus strand). VCF-style: chr10-96193231-A-G. GRCh37 (hg19) VCF-style: chr10-97952987-A-G.
Other names: c.781-1139T>C (NM_001258442.2); c.1027-1139T>C (NM_001258441.2); c.1183-1139T>C (NM_001114094.2); c.1096-1139T>C (NM_001258440.2).
Identifiers: ClinVar variation 3067561 (VCV003067561.21), dbSNP rs782435586, ClinGen allele CA212513187.